The following is an entry in ClinVar:

NM_001039141.3(TRIOBP):c.1855del (p.Ala619fs)

Gene: TRIOBP (TRIO and F-actin binding protein; plus strand). Cytogenetic location: 22q13.1.
Variant type: Deletion.
Coding change: c.1855del on transcript NM_001039141.3 (MANE Select); coding-DNA position 1855, one base deleted (G; older notation c.1855delG).
Protein change: p.Ala619fs; shifts the reading frame from alanine 619.
Molecular consequence: frameshift variant.
Genome position (GRCh38, 1-based): chr22:37,724,411, G deleted. VCF-style (leftmost placement, unchanged base first): chr22-37724410-AG-A. GRCh37 (hg19) VCF-style: chr22-38120417-AG-A.
Other names: short protein forms A619fs.
Identifiers: ClinVar variation 1526202 (VCV001526202.1), dbSNP rs2145833313, ClinGen allele CA2573158179.
Genomic context (GRCh38, chr22:37,724,410, plus strand): 5'-CACAACATCCTGTGCCCAGCGGGACAATCCCAGAGCCTCCAGAACCTCCTCTCCCAATAG[AG>A]CCACACGAGATAACCCCAGAACATCCTGTGCCCAGCGGGACAATCCCAGAGCCTCCTCTC-3'

ClinVar aggregate classification (germline): Likely pathogenic (1 of 4 stars; one submission).

Conditions:
Autosomal recessive nonsyndromic hearing loss 28. Identifiers: Orphanet 90636, MedGen C1853276, MONDO:0012355, OMIM 609823.

Submission:

3billion
Classification: Likely pathogenic for Autosomal recessive nonsyndromic hearing loss 28. Last evaluated: 2022-03-22. Review status: criteria provided, single submitter. Criteria: ACMG Guidelines, 2015. Collection method: clinical testing. Allele origin: germline. Affected: yes. Observed: 1 heterozygote.
Comment: Frameshift: predicted to result in a loss or disruption of normal protein function through nonsense-mediated decay (NMD) or protein truncation. Multiple pathogenic variants are reported downstream of the variant.It is not observed in the gnomAD v2.1.1 dataset. Therefore, this variant is classified as likely pathogenic according to the recommendation of ACMG/AMP guideline.